The following is an entry in ClinVar:

ClinVar aggregate classification (germline): Likely benign (1 of 4 stars; one submission).

gnomAD v4.1: 2 of 1,595,076 alleles (0.00013%); highest among the groups gnomAD compares: East Asian, 0.0045%; no homozygotes.

Submission:

GeneDx
Classification: Likely benign. Last evaluated: 2017-04-26. Review status: criteria provided, single submitter. Criteria: GeneDx Variant Classification (06012015). Collection method: clinical testing. Allele origin: germline. Affected: yes.
Comment: This variant is considered likely benign or benign based on one or more of the following criteria: it is a conservative change, it occurs at a poorly conserved position in the protein, it is predicted to be benign by multiple in silico algorithms, and/or has population frequency not consistent with disease.

NM_000744.7(CHRNA4):c.1500C>A (p.Pro500=)

Gene: CHRNA4 (cholinergic receptor nicotinic alpha 4 subunit; minus strand). Cytogenetic location: 20q13.33.
Variant type: single nucleotide variant.
Coding change: c.1500C>A on transcript NM_000744.7 (MANE Select); coding-DNA position 1500, C replaced by A.
Protein change: p.Pro500=; no amino-acid change (proline 500 retained).
Molecular consequence: synonymous variant. On other transcripts: non-coding transcript variant (1).
Genome position (GRCh38, 1-based): chr20:63,349,911, G>T on the plus strand (C>A on the coding strand, the complement: CHRNA4 is on the minus strand). VCF-style: chr20-63349911-G-T. GRCh37 (hg19) VCF-style: chr20-61981263-G-T.
Other names: c.972C>A, p.Pro324= (NM_001256573.2).
Identifiers: ClinVar variation 509172 (VCV000509172.1), dbSNP rs201391859, ClinGen allele CA511338559.
Genomic context (GRCh38, chr20:63,349,911, plus strand): 5'-GAGCTCAGCCGAGTGGGTGTTGCGAGAGGCCAGGGCGCCGGCAGCCTGGCCATCTGCCTC[G>T]GGGGCGGCATCGTCTCGGGGAACACAGTACTGGATGCTCCGAGACCGGCACCGGACGCCG-3'
Protein context (NP_000735.1, residues 490-510): QYCVPRDDAA[Pro500=]EADGQAAGAL